The following is an entry in ClinVar:

GRCh37/hg19 16p11.2(chr16:29432212-30178406)x1

Genes: ALDOA (aldolase, fructose-bisphosphate A; plus strand), ASPHD1 (aspartate beta-hydroxylase domain containing 1; plus strand), BOLA2 (bolA family member 2; minus strand), C16orf54 (chromosome 16 open reading frame 54; minus strand), C16orf92 (chromosome 16 open reading frame 92; plus strand) and 24 more. Cytogenetic location: 16p11.2.
Variant type: copy number loss.
Change: copy number 1 (one copy instead of two) of chr16:29,432,212-30,178,406 (746.2 kb, GRCh37 coordinates, 1-based), cytogenetic band 16p11.2.
Identifiers: ClinVar variation 815818 (VCV000815818.4).

ClinVar aggregate classification (germline): Pathogenic (1 of 4 stars; one submission).

Submission:

Quest Diagnostics Nichols Institute San Juan Capistrano
Classification: Pathogenic. Last evaluated: 2022-10-19. Review status: criteria provided, single submitter. Criteria: ACMG/ClinGen CNV Guidelines, 2019. Collection method: clinical testing. Allele origin: unknown.
Comment: This copy number loss involves several genes including TBX6 (OMIM 602427) and is associated with the proximal (BP4-BP5) 16p11.2 microdeletion syndrome (OMIM 611913, Rehm et al., N Engl J Med. 2015 Jun 4;372(23):2235-42. PMID: 26014595 (ISCA-37400)). Inheritance from a normal or mildly affected parent has been reported, suggesting incomplete penetrance and variable expressivity. See GeneReviews for additional information and references.